The following is an entry in ClinVar:

ClinVar aggregate classification (germline): Uncertain significance (1 of 4 stars; one submission).

Conditions:
Malignant hyperthermia, susceptibility to, 1 (MHS1). Also called: Anesthesia related hyperthermia; Malignant hyperpyrexia; Fulminating hyperpyrexia; Pharmacogenic myopathy; Malignant hyperthermia suceptibility 1; RYR1-Related Malignant Hyperthermia Susceptibility. Identifiers: Orphanet 423, MedGen C2930980, MONDO:0007783, OMIM 145600.

Submission:

All of Us Research Program, National Institutes of Health
Classification: Uncertain significance for Malignant hyperthermia, susceptibility to, 1. Last evaluated: 2024-09-23. Review status: criteria provided, single submitter. Criteria: ACMG Guidelines, 2015. Collection method: clinical testing. Allele origin: germline. Inheritance: Autosomal dominant inheritance. Observed: 1 variant allele, 1 heterozygote.
Comment: This study involves interpretation of variants in research participants for the purpose of population health screening. Participant phenotype was not available at the time of variant classification. Additional details can be found in publication PMID: 35346344, PMCID: PMC8962531

NM_000540.3(RYR1):c.9977A>C (p.Asn3326Thr)

Gene: RYR1 (ryanodine receptor 1; plus strand). Cytogenetic location: 19q13.2.
Variant type: single nucleotide variant.
Coding change: c.9977A>C on transcript NM_000540.3 (MANE Select); coding-DNA position 9977, A replaced by C.
Protein change: p.Asn3326Thr; replaces asparagine 3326 with threonine.
Molecular consequence: missense variant.
Genome position (GRCh38, 1-based): chr19:38,517,650, A>C. VCF-style: chr19-38517650-A-C. GRCh37 (hg19) VCF-style: chr19-39008290-A-C.
Other names: c.9977A>C, p.Asn3326Thr (NM_001042723.2); short protein forms N3326T.
Identifiers: ClinVar variation 3385518 (VCV003385518.1).